The following is an entry in ClinVar:

ClinVar aggregate classification (germline): Uncertain significance (1 of 4 stars; one submission).

Allele frequency attached by ClinVar (database versions not stated): TOPMed 0.00002; gnomAD 0.00003; ExAC 0.00004; gnomAD exomes 0.00005; ESP Exome Variant Server 0.00008.
gnomAD v4.1: 76 of 1,611,626 alleles (0.0047%); highest among the groups gnomAD compares: Non-Finnish European, 0.0058%; no homozygotes.

Submission:

Labcorp Genetics (formerly Invitae), Labcorp
Classification: Uncertain significance. Last evaluated: 2022-03-26. Review status: criteria provided, single submitter. Criteria: Invitae Variant Classification Sherloc (09022015). Collection method: clinical testing. Allele origin: germline.
Comment: This sequence change replaces proline, which is neutral and non-polar, with serine, which is neutral and polar, at codon 1663 of the SBF1 protein (p.Pro1663Ser). This variant is present in population databases (rs372406513, gnomAD 0.006%). This variant has not been reported in the literature in individuals affected with SBF1-related conditions. Algorithms developed to predict the effect of missense changes on protein structure and function are either unavailable or do not agree on the potential impact of this missense change (SIFT: "Tolerated"; PolyPhen-2: "Probably Damaging"; Align-GVGD: "Class C0"). In summary, the available evidence is currently insufficient to determine the role of this variant in disease. Therefore, it has been classified as a Variant of Uncertain Significance.

NM_002972.4(SBF1):c.4987C>T (p.Pro1663Ser)

Gene: SBF1 (SET binding factor 1; minus strand). Cytogenetic location: 22q13.33.
Variant type: single nucleotide variant.
Coding change: c.4987C>T on transcript NM_002972.4 (MANE Select); coding-DNA position 4987, C replaced by T.
Protein change: p.Pro1663Ser; replaces proline 1663 with serine.
Molecular consequence: missense variant.
Genome position (GRCh38, 1-based): chr22:50,454,568, G>A on the plus strand (C>T on the coding strand, the complement: SBF1 is on the minus strand). VCF-style: chr22-50454568-G-A. GRCh37 (hg19) VCF-style: chr22-50892997-G-A.
Other names: c.4912C>T, p.Pro1638Ser (NM_001365819.1); c.4990C>T, p.Pro1664Ser (NM_001410794.1); c.4909C>T, p.Pro1637Ser (NM_001410795.1); c.4987C>T, p.Pro1663Ser (NM_197971.1); short protein forms P1637S, P1664S, P1638S, P1663S.
Identifiers: ClinVar variation 2042847 (VCV002042847.1), dbSNP rs372406513, ClinGen allele CA10316056.